The following is an entry in ClinVar:

NM_016630.7(SPG21):c.*257=

Gene: SPG21 (SPG21 abhydrolase domain containing, maspardin; minus strand). Cytogenetic location: 15q22.31.
Variant type: single nucleotide variant.
Coding change: c.*257= on transcript NM_016630.7 (MANE Select); 257 bases downstream of the stop codon, no change from the reference sequence.
Molecular consequence: no sequence alteration.
Genome position: GRCh38 VCF-style: chr15-64963363-T-T. GRCh37 (hg19) VCF-style: chr15-65255704-C-T.
Other names: c.*257= (NM_001127889.5, NM_001127890.5).
Identifiers: ClinVar variation 316715 (VCV000316715.6), dbSNP rs7322.
Genomic context (GRCh38, chr15:64,963,363, plus strand): 5'-AAACCTCAGAAATTAACATTCACTTAAGAACACAGTGGTGAAGACTTTTGGTAGCAAAAT[T=]TGCACGGTTCTTAAAATGGGAGTCTTCAAAAGTACTTCTTCAAATTCAAAAGCTAAGAAA-3'

ClinVar aggregate classification (germline): Benign. Review status: criteria provided, multiple submitters, no conflicts (2 of 4 stars). 2 submissions from 2 submitters: Benign (2). Last evaluated 2017-04-27.

Conditions:
Mast syndrome. Also called: SPASTIC PARAPLEGIA 21, AUTOSOMAL RECESSIVE. Identifiers: Orphanet 101001, MedGen C1855346, MONDO:0009568, OMIM 248900.

Allele frequency attached by ClinVar (database versions not stated): 1000 Genomes Project 30x 0.46377; TOPMed 0.47381; gnomAD 0.47700 and 0.47940.

Submissions (2):

Illumina Laboratory Services, Illumina
Classification: Benign for Mast syndrome. Last evaluated: 2017-04-27. Review status: criteria provided, single submitter. Criteria: ICSL Variant Classification Criteria 13 December 2019. Collection method: clinical testing. Allele origin: germline.
Comment: This variant was observed as part of a predisposition screen in an ostensibly healthy population. A literature search was performed for the gene, cDNA change, and amino acid change (where applicable). No publications were found based on this search. Allele frequency data from public databases was too high to be consistent with this variant causing disease. Therefore, this variant is classified as benign.

Breakthrough Genomics
Classification: Benign. Review status: criteria provided, single submitter. Criteria: ACMG Guidelines, 2015. Collection method: not provided. Allele origin: germline. Inheritance: Autosomal recessive inheritance. Affected: yes.